The following is an entry in ClinVar:

NM_005559.4(LAMA1):c.295C>T (p.Gln99Ter)

Gene: LAMA1 (laminin subunit alpha 1; minus strand). Cytogenetic location: 18p11.31.
Variant type: single nucleotide variant.
Coding change: c.295C>T on transcript NM_005559.4 (MANE Select); coding-DNA position 295, C replaced by T.
Protein change: p.Gln99Ter; replaces glutamine 99 with a stop codon.
Molecular consequence: nonsense.
Genome position (GRCh38, 1-based): chr18:7,080,025, G>A on the plus strand (C>T on the coding strand, the complement: LAMA1 is on the minus strand). VCF-style: chr18-7080025-G-A. GRCh37 (hg19) VCF-style: chr18-7080024-G-A.
Other names: short protein forms Q99*.
Identifiers: ClinVar variation 523891 (VCV000523891.2), dbSNP rs1178073729, ClinGen allele CA401848648.
Genomic context (GRCh38, chr18:7,080,025, plus strand): 5'-GCTCACCTACCTGTCTTAAGTCCAGAGTGATTGTGACCCAGTGATATTCTCTCCCATTCT[G>A]AATGCTGGGACTTTGCCACCAGTTATTGGTGCCATCTATGGCATGTGATATTGGATGGCG-3'

ClinVar aggregate classification (germline): Pathogenic (1 of 4 stars; one submission).

Allele frequency attached by ClinVar (database versions not stated): TOPMed below 0.00001; gnomAD 0.00003.
gnomAD v4.1: 15 of 1,614,148 alleles (0.00093%); highest among the groups gnomAD compares: Non-Finnish European, 0.0013%; no homozygotes.

Submission:

GeneDx
Classification: Pathogenic. Last evaluated: 2018-04-23. Review status: criteria provided, single submitter. Criteria: GeneDx Variant Classification (06012015). Collection method: clinical testing. Allele origin: germline. Affected: yes.
Comment: The Q99X variant in the LAMA1 gene has not been reported previously as a pathogenic variant nor as a benign variant, to our knowledge. This variant is predicted to cause loss of normal protein function either through protein truncation or nonsense-mediated mRNA decay. The Q99X variant is observed in 1/14992 (0.0067%) alleles from individuals of non-Finnish European background in large population cohorts (Lek et al., 2016).We interpret Q99X as a pathogenic variant.